The following is an entry in ClinVar:

ClinVar aggregate classification (germline): Pathogenic. Review status: criteria provided, multiple submitters, no conflicts (2 of 4 stars). 2 submissions from 2 submitters: Pathogenic (2). Last evaluated 2026-03-20.

Conditions:
Hereditary cancer-predisposing syndrome. Also called: Tumor predisposition; Neoplastic Syndromes, Hereditary; Hereditary Cancer Syndrome; Hereditary neoplastic syndrome. Identifiers: Orphanet 140162, MedGen C0027672, MeSH D009386, MONDO:0015356.
Cardiovascular phenotype. Identifiers: MedGen CN230736.
Neurofibromatosis, type 1 (NF1). Also called: NEUROFIBROMATOSIS, TYPE I, SOMATIC; Peripheral type neurofibromatosis; VON RECKLINGHAUSEN DISEASE; Neurofibromatosis, type I. Identifiers: Orphanet 636, MedGen C0027831, MONDO:0018975, OMIM 162200. Disease mechanism: loss of function.

Submissions (2):

Ambry Genetics
Classification: Pathogenic for Cardiovascular phenotype; Hereditary cancer-predisposing syndrome. Last evaluated: 2026-03-20. Review status: criteria provided, single submitter. Criteria: Ambry Variant Classification Scheme 2023. Collection method: clinical testing. Allele origin: germline.
Comment: The c.614delA pathogenic mutation, located in coding exon 6 of the NF1 gene, results from a deletion of one nucleotide at nucleotide position 614, causing a translational frameshift with a predicted alternate stop codon (p.K205Rfs*6). This variant was reported in individual(s) with features consistent with neurofibromatosis type 1 (Ambry internal data). This variant is considered to be rare based on population cohorts in the Genome Aggregation Database (gnomAD). This alteration is expected to result in loss of function by premature protein truncation or nonsense-mediated mRNA decay. As such, this alteration is interpreted as a disease-causing mutation.

Labcorp Genetics (formerly Invitae), Labcorp
Classification: Pathogenic for Neurofibromatosis, type 1. Last evaluated: 2020-11-14. Review status: criteria provided, single submitter. Criteria: Invitae Variant Classification Sherloc (09022015). Collection method: clinical testing. Allele origin: germline.
Comment: This variant is not present in population databases (ExAC no frequency). This sequence change creates a premature translational stop signal (p.Lys205Argfs*6) in the NF1 gene. It is expected to result in an absent or disrupted protein product. Loss-of-function variants in NF1 are known to be pathogenic (PMID: 10712197, 23913538). This variant has not been reported in the literature in individuals with NF1-related conditions. For these reasons, this variant has been classified as Pathogenic.

Literature cited by the submitters: PubMed 10712197 (cited by Labcorp Genetics (formerly Invitae), Labcorp); PubMed 23913538 (cited by Labcorp Genetics (formerly Invitae), Labcorp).

NM_001042492.3(NF1):c.614del (p.Lys205fs)

Gene: NF1 (neurofibromin 1; plus strand). Cytogenetic location: 17q11.2.
Variant type: Deletion.
Coding change: c.614del on transcript NM_001042492.3 (MANE Select); coding-DNA position 614, one base deleted (A; older notation c.614delA).
Protein change: p.Lys205fs; shifts the reading frame from lysine 205.
Molecular consequence: frameshift variant.
Genome position (GRCh38, 1-based): chr17:31,181,449, A deleted; the last of 3 consecutive A bases (chr17:31,181,447-31,181,449); deleting any one gives the same sequence. VCF-style (leftmost placement, unchanged base first): chr17-31181446-TA-T. GRCh37 (hg19) VCF-style: chr17-29508464-TA-T.
Other names: c.614delA, p.Lys205Argfs (NM_000267.4); c.614del, p.Lys205fs (NM_001128147.3); c.614delA (NM_000267.3); short protein forms K205fs.
Identifiers: ClinVar variation 1456791 (VCV001456791.7), dbSNP rs2143774209, ClinGen allele CA2573153561.